The following is an entry in ClinVar:

NM_001204.7(BMPR2):c.1033G>A (p.Gly345Arg)

Gene: BMPR2 (bone morphogenetic protein receptor type 2; plus strand). Cytogenetic location: 2q33.2.
Variant type: single nucleotide variant.
Coding change: c.1033G>A on transcript NM_001204.7 (MANE Select); coding-DNA position 1033, G replaced by A.
Protein change: p.Gly345Arg; replaces glycine 345 with arginine.
Molecular consequence: missense variant.
Genome position (GRCh38, 1-based): chr2:202,530,859, G>A. VCF-style: chr2-202530859-G-A. GRCh37 (hg19) VCF-style: chr2-203395582-G-A.
Other names: short protein forms G345R.
Identifiers: ClinVar variation 4597093 (VCV004597093.1).

ClinVar aggregate classification (germline): Uncertain significance (1 of 4 stars; one submission).

Conditions:
Inborn genetic diseases. Identifiers: MedGen C0950123, MeSH D030342.

Submission:

Ambry Genetics
Classification: Uncertain significance for Inborn genetic diseases. Last evaluated: 2025-09-22. Review status: criteria provided, single submitter. Criteria: Ambry Variant Classification Scheme 2023. Collection method: clinical testing. Allele origin: germline.
Comment: The p.G345R variant (also known as c.1033G>A), located in coding exon 8 of the BMPR2 gene, results from a G to A substitution at nucleotide position 1033. The glycine at codon 345 is replaced by arginine, an amino acid with dissimilar properties. This amino acid position is conserved. In addition, this alteration is predicted to be deleterious by in silico analysis. Based on the available evidence, the clinical significance of this variant remains unclear.